The following is an entry in ClinVar:

ClinVar aggregate classification (germline): Uncertain significance. Review status: criteria provided, multiple submitters, no conflicts (2 of 4 stars). 4 submissions from 4 submitters: Uncertain significance (4). Last evaluated 2026-01-23.

Conditions:
Multiple endocrine neoplasia, type 2 (MEN2). Identifiers: Orphanet 653, MedGen C4048306, MONDO:0019003. Disease mechanism: gain of function.
Hereditary cancer-predisposing syndrome. Also called: Tumor predisposition; Neoplastic Syndromes, Hereditary; Hereditary neoplastic syndrome; Hereditary Cancer Syndrome. Identifiers: Orphanet 140162, MedGen C0027672, MeSH D009386, MONDO:0015356.

Allele frequency attached by ClinVar (database versions not stated): gnomAD exomes below 0.00001.
gnomAD v4.1: 1 of 1,614,114 alleles (0.000062%); highest among the groups gnomAD compares: Non-Finnish European, 0.000085%; no homozygotes.

Submissions (4):

Dasa
Classification: Uncertain significance. Last evaluated: 2026-01-23. Review status: criteria provided, single submitter. Criteria: DASA Assertion Criteria. Collection method: clinical testing. Allele origin: germline.
Comment: NM_020975.6(RET):c.3095G>A (p.Gly1032Asp) is a missense variant that results in the substitution of glycine with aspartic acid. This variant is rare in population databases. The currently available literature and clinical evidence are not sufficient to establish a definitive association between this variant and the reported condition. Therefore, this variant is classified as a variant of uncertain significance.

Labcorp Genetics (formerly Invitae), Labcorp
Classification: Uncertain significance for Multiple endocrine neoplasia, type 2. Last evaluated: 2025-08-18. Review status: criteria provided, single submitter. Criteria: Invitae Variant Classification Sherloc (09022015). Collection method: clinical testing. Allele origin: germline.
Comment: This sequence change replaces glycine, which is neutral and non-polar, with aspartic acid, which is acidic and polar, at codon 1032 of the RET protein (p.Gly1032Asp). This variant is not present in population databases (gnomAD no frequency). This variant has not been reported in the literature in individuals affected with RET-related conditions. ClinVar contains an entry for this variant (Variation ID: 1008648). An algorithm developed to predict the effect of missense changes on protein structure and function (PolyPhen-2) suggests that this variant is likely to be disruptive. In summary, the available evidence is currently insufficient to determine the role of this variant in disease. Therefore, it has been classified as a Variant of Uncertain Significance.

All of Us Research Program, National Institutes of Health
Classification: Uncertain significance for Multiple endocrine neoplasia, type 2. Last evaluated: 2024-07-10. Review status: criteria provided, single submitter. Criteria: ACMG Guidelines, 2015. Collection method: clinical testing. Allele origin: germline. Inheritance: Autosomal dominant inheritance. Observed: 2 variant alleles, 2 heterozygotes.
Comment: This missense variant replaces glycine with aspartic acid at codon 1032 of the RET protein. Computational prediction suggests that this variant may not impact protein structure and function. To our knowledge, functional studies have not been reported for this variant. This variant has not been reported in individuals affected with RET-related disorders in the literature. This variant has not been identified in the general population by the Genome Aggregation Database (gnomAD). The available evidence is insufficient to determine the role of this variant in disease conclusively. Therefore, this variant is classified as a Variant of Uncertain Significance.

This study involves interpretation of variants in research participants for the purpose of population health screening. Participant phenotype was not available at the time of variant classification. Additional details can be found in publication PMID: 35346344, PMCID: PMC8962531

Ambry Genetics
Classification: Uncertain significance for Hereditary cancer-predisposing syndrome. Last evaluated: 2024-02-28. Review status: criteria provided, single submitter. Criteria: Ambry Variant Classification Scheme 2023. Collection method: clinical testing. Allele origin: germline.
Comment: The p.G1032D variant (also known as c.3095G>A), located in coding exon 19 of the RET gene, results from a G to A substitution at nucleotide position 3095. The glycine at codon 1032 is replaced by aspartic acid, an amino acid with similar properties. This amino acid position is well conserved in available vertebrate species. In addition, this alteration is predicted to be tolerated by in silico analysis. Based on the available evidence, the clinical significance of this alteration remains unclear.

NM_020975.6(RET):c.3095G>A (p.Gly1032Asp)

Gene: RET (ret proto-oncogene; plus strand). Cytogenetic location: 10q11.21.
Variant type: single nucleotide variant.
Coding change: c.3095G>A on transcript NM_020975.6 (MANE Select); coding-DNA position 3095, G replaced by A.
Protein change: p.Gly1032Asp; replaces glycine 1032 with aspartic acid.
Molecular consequence: missense variant.
Genome position (GRCh38, 1-based): chr10:43,126,630, G>A. VCF-style: chr10-43126630-G-A. GRCh37 (hg19) VCF-style: chr10-43622078-G-A.
Other names: c.3095G>A, p.Gly1032Asp (NM_000323.2, NM_001406743.1, NM_001406744.1 and 4 more transcripts); c.2333G>A, p.Gly778Asp (NM_001355216.2); c.2966G>A, p.Gly989Asp (NM_001406761.1, NM_001406762.1, NM_001406764.1); c.2960G>A, p.Gly987Asp (NM_001406763.1, NM_001406765.1); c.2657G>A, p.Gly886Asp (NM_001406773.1, NM_001406771.1); c.2570G>A, p.Gly857Asp (NM_001406774.1); c.2369G>A, p.Gly790Asp (NM_001406775.1, NM_001406776.1, NM_001406777.1 and 1 more transcripts); c.2198G>A, p.Gly733Asp (NM_001406779.1, NM_001406780.1, NM_001406781.1 and 1 more transcripts); and 10 more; short protein forms G1032D, G778D, G549D, G690D, G693D, G790D, G886D, G989D.
Identifiers: ClinVar variation 1008648 (VCV001008648.11), dbSNP rs1838335979, ClinGen allele CA376558381.